The following is an entry in ClinVar:

NM_017491.5(WDR1):c.637-25C>T

Gene: WDR1 (WD repeat domain 1; minus strand). Cytogenetic location: 4p16.1.
Variant type: single nucleotide variant.
Coding change: c.637-25C>T on transcript NM_017491.5 (MANE Select); 25 bases into the intron before coding-DNA position 637, C replaced by T.
Molecular consequence: intron variant.
Genome position (GRCh38, 1-based): chr4:10,088,398, G>A on the plus strand (C>T on the coding strand, the complement: WDR1 is on the minus strand). VCF-style: chr4-10088398-G-A. GRCh37 (hg19) VCF-style: chr4-10090022-G-A.
Other names: c.217-25C>T (NM_005112.5).
Identifiers: ClinVar variation 2654669 (VCV002654669.24), dbSNP rs375857285, ClinGen allele CA2695199367.

ClinVar aggregate classification (germline): Likely benign (1 of 4 stars; one submission).

Submission:

CeGaT Center for Human Genetics Tuebingen
Classification: Likely benign. Last evaluated: 2023-10-01. Review status: criteria provided, single submitter. Criteria: CeGaT Center For Human Genetics Tuebingen Variant Classification Criteria Version 2. Collection method: clinical testing. Allele origin: germline. Affected: yes. Observed: 1 variant allele.
Comment: WDR1: PM2:Supporting, BP4, BP7